The following is an entry in ClinVar:

ClinVar aggregate classification (germline): Conflicting classifications of pathogenicity. Review status: criteria provided, conflicting classifications (1 of 4 stars). 3 submissions from 3 submitters: Uncertain significance (2); Likely benign (1). Last evaluated 2024-09-30.

Conditions:
Congenital myasthenic syndrome 8. Also called: Myasthenic syndrome, congenital, 8, with pre- and postsynaptic defects; MYASTHENIC SYNDROME, CONGENITAL, DUE TO AGRIN DEFICIENCY. Identifiers: Orphanet 590, MedGen C3808739, MONDO:0014052, OMIM 615120.
Inborn genetic diseases. Identifiers: MedGen C0950123, MeSH D030342.

Allele frequency attached by ClinVar (database versions not stated): gnomAD 0.00015 and 0.00021; gnomAD exomes 0.00016 and 0.00022; TOPMed 0.00017; ExAC 0.00023.
gnomAD v4.1: 346 of 1,549,572 alleles (0.022%); highest among the groups gnomAD compares: East Asian, 0.33%; no homozygotes.

Submissions (3):

Ambry Genetics
Classification: Uncertain significance for Inborn genetic diseases. Last evaluated: 2024-09-30. Review status: criteria provided, single submitter. Criteria: Ambry Variant Classification Scheme 2023. Collection method: clinical testing. Allele origin: germline.

3billion
Classification: Likely benign for Congenital myasthenic syndrome 8. Last evaluated: 2024-09-20. Review status: criteria provided, single submitter. Criteria: ACMG Guidelines, 2015. Collection method: clinical testing. Allele origin: germline. Affected: no.
Comment: The homozygous variant was found in patients diagnosed with another variant in a different gene, with no symptoms related to the gene containing the homozygous variant.

Labcorp Genetics (formerly Invitae), Labcorp
Classification: Uncertain significance for Congenital myasthenic syndrome 8. Last evaluated: 2022-10-25. Review status: criteria provided, single submitter. Criteria: Invitae Variant Classification Sherloc (09022015). Collection method: clinical testing. Allele origin: germline.
Comment: This sequence change replaces glycine, which is neutral and non-polar, with arginine, which is basic and polar, at codon 1320 of the AGRN protein (p.Gly1320Arg). This variant is present in population databases (rs780180385, gnomAD 0.08%). This variant has not been reported in the literature in individuals affected with AGRN-related conditions. ClinVar contains an entry for this variant (Variation ID: 663617). Algorithms developed to predict the effect of missense changes on protein structure and function output the following: SIFT: "Tolerated"; PolyPhen-2: "Benign"; Align-GVGD: "Class C0". The arginine amino acid residue is found in multiple mammalian species, which suggests that this missense change does not adversely affect protein function. In summary, the available evidence is currently insufficient to determine the role of this variant in disease. Therefore, it has been classified as a Variant of Uncertain Significance.

NM_198576.4(AGRN):c.3958G>A (p.Gly1320Arg)

Gene: AGRN (agrin; plus strand). Cytogenetic location: 1p36.33.
Variant type: single nucleotide variant.
Coding change: c.3958G>A on transcript NM_198576.4 (MANE Select); coding-DNA position 3958, G replaced by A.
Protein change: p.Gly1320Arg; replaces glycine 1320 with arginine.
Molecular consequence: missense variant.
Genome position (GRCh38, 1-based): chr1:1,048,218, G>A. VCF-style: chr1-1048218-G-A. GRCh37 (hg19) VCF-style: chr1-983598-G-A.
Other names: c.3958G>A, p.Gly1320Arg (NM_001305275.2); c.3643G>A, p.Gly1215Arg (NM_001364727.2); short protein forms G1215R, G1320R.
Identifiers: ClinVar variation 663617 (VCV000663617.8), dbSNP rs780180385, ClinGen allele CA509290.